The following is an entry in ClinVar:

NM_005876.5(SPEG):c.5315G>A (p.Ser1772Asn)

Gene: SPEG (striated muscle enriched protein kinase; plus strand). Cytogenetic location: 2q35.
Variant type: single nucleotide variant.
Coding change: c.5315G>A on transcript NM_005876.5 (MANE Select); coding-DNA position 5315, G replaced by A.
Protein change: p.Ser1772Asn; replaces serine 1772 with asparagine.
Molecular consequence: missense variant.
Genome position (GRCh38, 1-based): chr2:219,480,113, G>A. VCF-style: chr2-219480113-G-A. GRCh37 (hg19) VCF-style: chr2-220344835-G-A.
Other names: short protein forms S1772N.
Identifiers: ClinVar variation 1493759 (VCV001493759.8), dbSNP rs1334266382, ClinGen allele CA350688994.

ClinVar aggregate classification (germline): Uncertain significance (1 of 4 stars; one submission).

Allele frequency attached by ClinVar (database versions not stated): gnomAD exomes below 0.00001 and 0.00001; TOPMed 0.00002.
gnomAD v4.1: 20 of 1,613,926 alleles (0.0012%); highest among the groups gnomAD compares: Non-Finnish European, 0.0015%; no homozygotes.

Submission:

Labcorp Genetics (formerly Invitae), Labcorp
Classification: Uncertain significance. Last evaluated: 2022-11-15. Review status: criteria provided, single submitter. Criteria: Invitae Variant Classification Sherloc (09022015). Collection method: clinical testing. Allele origin: germline.
Comment: ClinVar contains an entry for this variant (Variation ID: 1493759). This variant has not been reported in the literature in individuals affected with SPEG-related conditions. Algorithms developed to predict the effect of missense changes on protein structure and function are either unavailable or do not agree on the potential impact of this missense change (SIFT: "Deleterious"; PolyPhen-2: "Benign"; Align-GVGD: "Class C0"). In summary, the available evidence is currently insufficient to determine the role of this variant in disease. Therefore, it has been classified as a Variant of Uncertain Significance. This variant is present in population databases (no rsID available, gnomAD 0.0009%). This sequence change replaces serine, which is neutral and polar, with asparagine, which is neutral and polar, at codon 1772 of the SPEG protein (p.Ser1772Asn).